The following continues an entry in ClinVar:

NM_001346022.3(USP45):c.845+2T>C

Gene: USP45. ClinVar aggregate classification (germline): Benign. Benign (2).

Submissions 68 to 98 of 98:

Dr. Peter K. Rogan Lab, Western University
No classification provided (evidence only). Condition: Ovarian serous cystadenocarcinoma. Review status: no classification provided. Collection method: in vitro. Allele origin: not applicable. Functional consequence: skipped exon, retained intron. Not counted in ClinVar's aggregate classification.

Dr. Peter K. Rogan Lab, Western University
No classification provided (evidence only). Condition: Ovarian serous cystadenocarcinoma. Review status: no classification provided. Collection method: in vitro. Allele origin: not applicable. Functional consequence: retained intron. Not counted in ClinVar's aggregate classification.

Dr. Peter K. Rogan Lab, Western University
No classification provided (evidence only). Condition: Ovarian serous cystadenocarcinoma. Review status: no classification provided. Collection method: in vitro. Allele origin: not applicable. Functional consequence: skipped exon, retained intron. Not counted in ClinVar's aggregate classification.

Dr. Peter K. Rogan Lab, Western University
No classification provided (evidence only). Condition: Gastric cancer. Review status: no classification provided. Collection method: in vitro. Allele origin: not applicable. Functional consequence: retained intron. Not counted in ClinVar's aggregate classification.

Dr. Peter K. Rogan Lab, Western University
No classification provided (evidence only). Condition: Gastric cancer. Review status: no classification provided. Collection method: in vitro. Allele origin: not applicable. Functional consequence: retained intron. Not counted in ClinVar's aggregate classification.

Dr. Peter K. Rogan Lab, Western University
No classification provided (evidence only). Condition: Gastric cancer. Review status: no classification provided. Collection method: in vitro. Allele origin: not applicable. Functional consequence: retained intron. Not counted in ClinVar's aggregate classification.

Dr. Peter K. Rogan Lab, Western University
No classification provided (evidence only). Condition: Gastric cancer. Review status: no classification provided. Collection method: in vitro. Allele origin: not applicable. Functional consequence: retained intron. Not counted in ClinVar's aggregate classification.

Dr. Peter K. Rogan Lab, Western University
No classification provided (evidence only). Condition: Gastric cancer. Review status: no classification provided. Collection method: in vitro. Allele origin: not applicable. Functional consequence: retained intron. Not counted in ClinVar's aggregate classification.

Dr. Peter K. Rogan Lab, Western University
No classification provided (evidence only). Condition: Adrenocortical carcinoma, hereditary. Review status: no classification provided. Collection method: in vitro. Allele origin: not applicable. Functional consequence: retained intron. Not counted in ClinVar's aggregate classification.

Dr. Peter K. Rogan Lab, Western University
No classification provided (evidence only). Condition: Adrenocortical carcinoma, hereditary. Review status: no classification provided. Collection method: in vitro. Allele origin: not applicable. Functional consequence: retained intron. Not counted in ClinVar's aggregate classification.

Dr. Peter K. Rogan Lab, Western University
No classification provided (evidence only). Condition: Adrenocortical carcinoma, hereditary. Review status: no classification provided. Collection method: in vitro. Allele origin: not applicable. Functional consequence: retained intron. Not counted in ClinVar's aggregate classification.

Dr. Peter K. Rogan Lab, Western University
No classification provided (evidence only). Condition: Uterine carcinosarcoma. Review status: no classification provided. Collection method: in vitro. Allele origin: not applicable. Functional consequence: retained intron. Not counted in ClinVar's aggregate classification.

Dr. Peter K. Rogan Lab, Western University
No classification provided (evidence only). Condition: Uterine carcinosarcoma. Review status: no classification provided. Collection method: in vitro. Allele origin: not applicable. Functional consequence: retained intron. Not counted in ClinVar's aggregate classification.

Dr. Peter K. Rogan Lab, Western University
No classification provided (evidence only). Condition: Uveal melanoma. Review status: no classification provided. Collection method: in vitro. Allele origin: not applicable. Functional consequence: retained intron. Not counted in ClinVar's aggregate classification.

Dr. Peter K. Rogan Lab, Western University
No classification provided (evidence only). Condition: Uveal melanoma. Review status: no classification provided. Collection method: in vitro. Allele origin: not applicable. Functional consequence: retained intron. Not counted in ClinVar's aggregate classification.

Dr. Peter K. Rogan Lab, Western University
No classification provided (evidence only). Condition: Uveal melanoma. Review status: no classification provided. Collection method: in vitro. Allele origin: not applicable. Functional consequence: retained intron. Not counted in ClinVar's aggregate classification.

Dr. Peter K. Rogan Lab, Western University
No classification provided (evidence only). Condition: Malignant tumor of esophagus. Review status: no classification provided. Collection method: in vitro. Allele origin: not applicable. Functional consequence: retained intron. Not counted in ClinVar's aggregate classification.

Dr. Peter K. Rogan Lab, Western University
No classification provided (evidence only). Condition: Malignant tumor of esophagus. Review status: no classification provided. Collection method: in vitro. Allele origin: not applicable. Functional consequence: skipped exon, retained intron. Not counted in ClinVar's aggregate classification.

Dr. Peter K. Rogan Lab, Western University
No classification provided (evidence only). Condition: Malignant tumor of esophagus. Review status: no classification provided. Collection method: in vitro. Allele origin: not applicable. Functional consequence: skipped exon, retained intron. Not counted in ClinVar's aggregate classification.

Dr. Peter K. Rogan Lab, Western University
No classification provided (evidence only). Condition: Malignant tumor of esophagus. Review status: no classification provided. Collection method: in vitro. Allele origin: not applicable. Functional consequence: skipped exon, retained intron. Not counted in ClinVar's aggregate classification.

Dr. Peter K. Rogan Lab, Western University
No classification provided (evidence only). Condition: Chronic lymphocytic leukemia/small lymphocytic lymphoma. Review status: no classification provided. Collection method: in vitro. Allele origin: not applicable. Functional consequence: skipped exon, retained intron. Not counted in ClinVar's aggregate classification.

Dr. Peter K. Rogan Lab, Western University
No classification provided (evidence only). Condition: Chronic lymphocytic leukemia/small lymphocytic lymphoma. Review status: no classification provided. Collection method: in vitro. Allele origin: not applicable. Functional consequence: skipped exon, retained intron. Not counted in ClinVar's aggregate classification.

Dr. Peter K. Rogan Lab, Western University
No classification provided (evidence only). Condition: Chronic lymphocytic leukemia/small lymphocytic lymphoma. Review status: no classification provided. Collection method: in vitro. Allele origin: not applicable. Functional consequence: skipped exon, retained intron. Not counted in ClinVar's aggregate classification.

Dr. Peter K. Rogan Lab, Western University
No classification provided (evidence only). Condition: Chronic lymphocytic leukemia/small lymphocytic lymphoma. Review status: no classification provided. Collection method: in vitro. Allele origin: not applicable. Functional consequence: skipped exon, retained intron. Not counted in ClinVar's aggregate classification.

Dr. Peter K. Rogan Lab, Western University
No classification provided (evidence only). Condition: Chronic lymphocytic leukemia/small lymphocytic lymphoma. Review status: no classification provided. Collection method: in vitro. Allele origin: not applicable. Functional consequence: skipped exon, retained intron. Not counted in ClinVar's aggregate classification.

Dr. Peter K. Rogan Lab, Western University
No classification provided (evidence only). Condition: Familial pancreatic carcinoma. Review status: no classification provided. Collection method: in vitro. Allele origin: not applicable. Functional consequence: skipped exon, retained intron. Not counted in ClinVar's aggregate classification.

Dr. Peter K. Rogan Lab, Western University
No classification provided (evidence only). Condition: Familial pancreatic carcinoma. Review status: no classification provided. Collection method: in vitro. Allele origin: not applicable. Functional consequence: skipped exon, retained intron. Not counted in ClinVar's aggregate classification.

Dr. Peter K. Rogan Lab, Western University
No classification provided (evidence only). Condition: Lymphoma. Review status: no classification provided. Collection method: in vitro. Allele origin: not applicable. Functional consequence: retained intron. Not counted in ClinVar's aggregate classification.

Dr. Peter K. Rogan Lab, Western University
No classification provided (evidence only). Condition: Lymphoma. Review status: no classification provided. Collection method: in vitro. Allele origin: not applicable. Functional consequence: retained intron. Not counted in ClinVar's aggregate classification.

Dr. Peter K. Rogan Lab, Western University
No classification provided (evidence only). Condition: Ovarian cancer. Review status: no classification provided. Collection method: in vitro. Allele origin: not applicable. Functional consequence: skipped exon, retained intron. Not counted in ClinVar's aggregate classification.

Dr. Peter K. Rogan Lab, Western University
No classification provided (evidence only). Condition: Ovarian cancer. Review status: no classification provided. Collection method: in vitro. Allele origin: not applicable. Functional consequence: skipped exon, retained intron. Not counted in ClinVar's aggregate classification.